The following is an entry in ClinVar:

ClinVar aggregate classification (germline): Uncertain significance (1 of 4 stars; one submission).

Conditions:
Inborn genetic diseases. Identifiers: MedGen C0950123, MeSH D030342.

gnomAD v4.1: 4 of 1,613,518 alleles (0.00025%); highest among the groups gnomAD compares: Non-Finnish European, 0.00034%; no homozygotes.

Submission:

Ambry Genetics
Classification: Uncertain significance for Inborn genetic diseases. Last evaluated: 2025-09-22. Review status: criteria provided, single submitter. Criteria: Ambry Variant Classification Scheme 2023. Collection method: clinical testing. Allele origin: germline.
Comment: The c.568A>T (p.N190Y) alteration is located in exon 3 (coding exon 2) of the FLG gene. This alteration results from a A to T substitution at nucleotide position 568, causing the asparagine (N) at amino acid position 190 to be replaced by a tyrosine (Y). Based on data from gnomAD, the T allele has an overall frequency of <0.001% (1/250824) total alleles studied. The highest observed frequency was 0.001% (1/113392) of European (non-Finnish) alleles. Based on insufficient or conflicting evidence, the clinical significance of this alteration remains unclear.

NM_002016.2(FLG):c.568A>T (p.Asn190Tyr)

Genes: CCDST (cervical cancer associated DHX9 suppressive transcript; plus strand), FLG (filaggrin; minus strand). Cytogenetic location: 1q21.3.
Variant type: single nucleotide variant.
Coding change: c.568A>T on transcript NM_002016.2 (MANE Select); coding-DNA position 568, A replaced by T.
Protein change: p.Asn190Tyr; replaces asparagine 190 with tyrosine.
Molecular consequence: missense variant.
Genome position (GRCh38, 1-based): chr1:152,314,318, T>A on the plus strand (A>T on the coding strand, the complement: FLG is on the minus strand). VCF-style: chr1-152314318-T-A. GRCh37 (hg19) VCF-style: chr1-152286794-T-A.
Other names: short protein forms N190Y.
Identifiers: ClinVar variation 4619991 (VCV004619991.1).
Genomic context (GRCh38, chr1:152,314,318, plus strand): 5'-TGTCTTCTTTCTCTTCAAGTCTTTCACTTAGCCTCTTCCTATTGTCTCCTAATCTAGTAT[T>A]TTCAGTCTTGTTTTTCTCTTTTTTACTTGAGTTATGATGGTTTTTTCCATATTCTTCTTC-3'
Protein context (NP_002007.1, residues 180-200): SSKKEKNKTE[Asn190Tyr]TRLGDNRKRL